The following is an entry in ClinVar:

NM_194454.3(KRIT1):c.1243A>G (p.Ile415Val)

Gene: KRIT1 (KRIT1 ankyrin repeat containing; minus strand). Cytogenetic location: 7q21.2.
Variant type: single nucleotide variant.
Coding change: c.1243A>G on transcript NM_194454.3 (MANE Select); coding-DNA position 1243, A replaced by G.
Protein change: p.Ile415Val; replaces isoleucine 415 with valine.
Molecular consequence: missense variant.
Genome position (GRCh38, 1-based): chr7:92,225,731, T>C on the plus strand (A>G on the coding strand, the complement: KRIT1 is on the minus strand). VCF-style: chr7-92225731-T-C. GRCh37 (hg19) VCF-style: chr7-91855045-T-C.
Other names: c.1099A>G, p.Ile367Val (NM_001013406.2, NM_001350669.1, NM_001350670.1); c.529A>G, p.Ile177Val (NM_001350671.1); c.1243A>G, p.Ile415Val (NM_001350672.1, NM_001350673.1, NM_001350674.1 and 26 more transcripts); short protein forms I177V, I367V, I415V.
Identifiers: ClinVar variation 4859033 (VCV004859033.1).

ClinVar aggregate classification (germline): Uncertain significance (1 of 4 stars; one submission).

Conditions:
Inborn genetic diseases. Identifiers: MedGen C0950123, MeSH D030342.

Submission:

Ambry Genetics
Classification: Uncertain significance for Inborn genetic diseases. Last evaluated: 2026-05-23. Review status: criteria provided, single submitter. Criteria: Ambry Variant Classification Scheme 2023. Collection method: clinical testing. Allele origin: germline.
Comment: The c.1243A>G (p.I415V) alteration is located in exon 13 (coding exon 9) of the KRIT1 gene. This alteration results from a A to G substitution at nucleotide position 1243, causing the isoleucine (I) at amino acid position 415 to be replaced by a valine (V). Based on data from gnomAD, the G allele has an overall frequency of <0.001% (1/251230) total alleles studied. The highest observed frequency was 0.003% (1/30612) of South Asian alleles. Based on insufficient or conflicting evidence, the clinical significance of this alteration remains unclear.